The following is an entry in ClinVar:

ClinVar aggregate classification (germline): Uncertain significance (1 of 4 stars; one submission).

Conditions:
Renal cell carcinoma. Identifiers: Orphanet 217071, MedGen C0007134, MeSH D002292, MONDO:0005086, HP:0005584.

Submission:

Labcorp Genetics (formerly Invitae), Labcorp
Classification: Uncertain significance for Renal cell carcinoma. Last evaluated: 2025-04-29. Review status: criteria provided, single submitter. Criteria: Invitae Variant Classification Sherloc (09022015). Collection method: clinical testing. Allele origin: germline.
Comment: This sequence change replaces methionine, which is neutral and non-polar, with leucine, which is neutral and non-polar, at codon 39 of the MET protein (p.Met39Leu). This variant is not present in population databases (gnomAD no frequency). This variant has not been reported in the literature in individuals affected with MET-related conditions. Invitae Evidence Modeling of protein sequence and biophysical properties (such as structural, functional, and spatial information, amino acid conservation, physicochemical variation, residue mobility, and thermodynamic stability) indicates that this missense variant is not expected to disrupt MET protein function with a negative predictive value of 80%. In summary, the available evidence is currently insufficient to determine the role of this variant in disease. Therefore, it has been classified as a Variant of Uncertain Significance.

NM_000245.4(MET):c.115A>T (p.Met39Leu)

Gene: MET (MET proto-oncogene, receptor tyrosine kinase; plus strand). Cytogenetic location: 7q31.2.
Variant type: single nucleotide variant.
Coding change: c.115A>T on transcript NM_000245.4 (MANE Select); coding-DNA position 115, A replaced by T.
Protein change: p.Met39Leu; replaces methionine 39 with leucine.
Molecular consequence: missense variant. On other transcripts: intron variant (1).
Genome position (GRCh38, 1-based): chr7:116,699,199, A>T. VCF-style: chr7-116699199-A-T. GRCh37 (hg19) VCF-style: chr7-116339253-A-T.
Other names: c.115A>T, p.Met39Leu (NM_001127500.3, NM_001324401.3); c.-91+26622A>T (NM_001324402.2); short protein forms M39L.
Identifiers: ClinVar variation 4744685 (VCV004744685.1).